The following is an entry in ClinVar:

NM_000057.4(BLM):c.3524A>G (p.Asn1175Ser)

Gene: BLM (BLM RecQ like helicase; plus strand). Cytogenetic location: 15q26.1.
Variant type: single nucleotide variant.
Coding change: c.3524A>G on transcript NM_000057.4 (MANE Select); coding-DNA position 3524, A replaced by G.
Protein change: p.Asn1175Ser; replaces asparagine 1175 with serine.
Molecular consequence: missense variant. On other transcripts: intron variant (1).
Genome position (GRCh38, 1-based): chr15:90,803,686, A>G. VCF-style: chr15-90803686-A-G. GRCh37 (hg19) VCF-style: chr15-91346916-A-G.
Other names: c.3524A>G, p.Asn1175Ser (NM_001287246.2); c.2399A>G, p.Asn800Ser (NM_001287248.2); c.3358+5349A>G (NM_001287247.2); short protein forms N800S, N1175S.
Identifiers: ClinVar variation 664944 (VCV000664944.12), dbSNP rs1596267710, ClinGen allele CA393847788.

ClinVar aggregate classification (germline): Uncertain significance. Review status: criteria provided, single submitter (1 of 4 stars). 2 submissions from 2 submitters: Uncertain significance (1). 1 of the submissions does not count toward it. Last evaluated 2025-08-11.

Conditions:
Bloom syndrome (BLM). Also called: Bloom-Torre-Machacek syndrome. Identifiers: Orphanet 125, MedGen C0005859, MONDO:0008876, OMIM 210900.

Submissions (2):

Labcorp Genetics (formerly Invitae), Labcorp
Classification: Uncertain significance for Bloom syndrome. Last evaluated: 2025-08-11. Review status: criteria provided, single submitter. Criteria: Invitae Variant Classification Sherloc (09022015). Collection method: clinical testing. Allele origin: germline.
Comment: This sequence change replaces asparagine, which is neutral and polar, with serine, which is neutral and polar, at codon 1175 of the BLM protein (p.Asn1175Ser). This variant is not present in population databases (gnomAD no frequency). This variant has not been reported in the literature in individuals affected with BLM-related conditions. ClinVar contains an entry for this variant (Variation ID: 664944). Invitae Evidence Modeling of protein sequence and biophysical properties (such as structural, functional, and spatial information, amino acid conservation, physicochemical variation, residue mobility, and thermodynamic stability) indicates that this missense variant is not expected to disrupt BLM protein function with a negative predictive value of 80%. In summary, the available evidence is currently insufficient to determine the role of this variant in disease. Therefore, it has been classified as a Variant of Uncertain Significance.

Natera, Inc.
Classification: Uncertain significance for Bloom syndrome. Last evaluated: 2021-02-02. Review status: no assertion criteria provided. Collection method: clinical testing. Allele origin: germline. Not counted in ClinVar's aggregate classification.